The following is an entry in ClinVar:

ClinVar aggregate classification (germline): Likely pathogenic. Review status: criteria provided, multiple submitters, no conflicts (2 of 4 stars). 2 submissions from 2 submitters: Likely pathogenic (2). Last evaluated 2026-06-25.

Conditions:
Pheochromocytoma/paraganglioma syndrome 2. Also called: SDHAF2-Related Hereditary Paraganglioma-Pheochromocytoma Syndrome; GLOMUS TUMORS, FAMILIAL, 2; Paragangliomas 2; SDHAF2-Related Hereditary Paraganglioma-Pheochromocytoma Syndrome (Paragangliomas 2). Identifiers: Orphanet 29072, MedGen C1866552, MONDO:0011121, OMIM 601650.
Hereditary cancer-predisposing syndrome. Also called: Neoplastic Syndromes, Hereditary; Tumor predisposition; Hereditary Cancer Syndrome; Hereditary neoplastic syndrome. Identifiers: Orphanet 140162, MedGen C0027672, MeSH D009386, MONDO:0015356.

Submissions (2):

Myriad Genetics, Inc.
Classification: Likely pathogenic for Pheochromocytoma/paraganglioma syndrome 2. Last evaluated: 2026-06-25. Review status: criteria provided, single submitter. Criteria: Myriad Autosomal Dominant, Autosomal Recessive and X-Linked Classification Criteria (2023). Collection method: clinical testing. Allele origin: unknown.
Comment: This variant is considered likely pathogenic. This variant occurs within a consensus splice junction and is predicted to result in abnormal mRNA splicing of either an out-of-frame exon or an in-frame exon necessary for protein stability and/or normal function.

Ambry Genetics
Classification: Likely pathogenic for Hereditary cancer-predisposing syndrome. Last evaluated: 2025-05-25. Review status: criteria provided, single submitter. Criteria: Ambry Variant Classification Scheme 2023. Collection method: clinical testing. Allele origin: germline.
Comment: The c.370+1G>T intronic variant results from a G to T substitution one nucleotide after coding exon 3 of the SDHAF2 gene. This nucleotide position is highly conserved in available vertebrate species. In silico splice site analysis predicts that this alteration will weaken the native splice donor site and will result in the creation or strengthening of a novel splice donor site; however, direct evidence is insufficient at this time (Ambry internal data). This variant is considered to be rare based on population cohorts in the Genome Aggregation Database (gnomAD). Alterations that disrupt the canonical splice site are expected to cause aberrant splicing, resulting in an abnormal protein or a transcript that is subject to nonsense-mediated mRNA decay. As such, this alteration is classified as likely pathogenic.

NM_017841.4(SDHAF2):c.370+1G>T

Gene: SDHAF2 (succinate dehydrogenase complex assembly factor 2; plus strand). Cytogenetic location: 11q12.2.
Variant type: single nucleotide variant.
Coding change: c.370+1G>T on transcript NM_017841.4 (MANE Select); the canonical splice donor site of the intron after coding-DNA position 370, G replaced by T.
Molecular consequence: splice donor variant.
Genome position (GRCh38, 1-based): chr11:61,438,114, G>T. VCF-style: chr11-61438114-G-T. GRCh37 (hg19) VCF-style: chr11-61205586-G-T.
Identifiers: ClinVar variation 3951376 (VCV003951376.2).